The following is an entry in ClinVar:

NM_001672.3(ASIP):c.117C>T (p.Asn39=)

Genes: AHCY (adenosylhomocysteinase; minus strand), ASIP (agouti signaling protein; plus strand). Cytogenetic location: 20q11.22.
Variant type: single nucleotide variant.
Coding change: c.117C>T on transcript NM_001672.3 (MANE Select); coding-DNA position 117, C replaced by T.
Protein change: p.Asn39=; no amino-acid change (asparagine 39 retained).
Molecular consequence: synonymous variant.
Genome position (GRCh38, 1-based): chr20:34,260,491, C>T. VCF-style: chr20-34260491-C-T. GRCh37 (hg19) VCF-style: chr20-32848297-C-T.
Other names: c.117C>T, p.Asn39= (NM_001385218.1).
Identifiers: ClinVar variation 3352727 (VCV003352727.1).

ClinVar aggregate classification (germline): Likely benign (0 of 4 stars; one submission).

Conditions:
ASIP-related condition.

gnomAD v4.1: 244 of 1,614,084 alleles (0.015%); highest among the groups gnomAD compares: African/African-American, 0.3%; no homozygotes.

Submission:

PreventionGenetics, part of Exact Sciences
Classification: Likely benign for ASIP-related condition. Last evaluated: 2024-08-29. Review status: no assertion criteria provided. Collection method: clinical testing. Allele origin: germline.
Comment: This variant is classified as likely benign based on ACMG/AMP sequence variant interpretation guidelines (Richards et al. 2015 PMID: 25741868, with internal and published modifications).